The following is an entry in ClinVar:

NM_000116.5(TAFAZZIN):c.700-13G>A

Gene: TAFAZZIN (tafazzin, phospholipid-lysophospholipid transacylase; plus strand). Cytogenetic location: Xq28.
Variant type: single nucleotide variant.
Coding change: c.700-13G>A on transcript NM_000116.5 (MANE Select); 13 bases into the intron before coding-DNA position 700, G replaced by A.
Molecular consequence: intron variant.
Genome position (GRCh38, 1-based): chrX:154,420,645, G>A. VCF-style: chrX-154420645-G-A. GRCh37 (hg19) VCF-style: chrX-153648984-G-A.
Other names: c.712-13G>A (NM_001303465.2); c.664-13G>A (NM_001410698.1); c.658-13G>A (NM_181312.4); c.610-13G>A (NM_181311.4); c.568-13G>A (NM_181313.4).
Identifiers: ClinVar variation 2794192 (VCV002794192.2), dbSNP rs2068602941, ClinGen allele CA519278158.

ClinVar aggregate classification (germline): Uncertain significance (1 of 4 stars; one submission).

Conditions:
3-Methylglutaconic aciduria type 2 (BTHS). Also called: CARDIOSKELETAL MYOPATHY WITH NEUTROPENIA AND ABNORMAL MITOCHONDRIA; Barth syndrome. Identifiers: Orphanet 111, MedGen C0574083, MONDO:0010543, OMIM 302060.

Allele frequency attached by ClinVar (database versions not stated): TOPMed below 0.00001; gnomAD exomes 0.00001.
gnomAD v4.1: 11 of 1,210,535 alleles (0.00091%); highest among the groups gnomAD compares: Non-Finnish European, 0.0012%; no homozygotes.

Submission:

Labcorp Genetics (formerly Invitae), Labcorp
Classification: Uncertain significance for 3-Methylglutaconic aciduria type 2. Last evaluated: 2023-12-19. Review status: criteria provided, single submitter. Criteria: Invitae Variant Classification Sherloc (09022015). Collection method: clinical testing. Allele origin: germline.
Comment: This sequence change falls in intron 9 of the TAZ gene. It does not directly change the encoded amino acid sequence of the TAZ protein. This variant is not present in population databases (gnomAD no frequency). This variant has not been reported in the literature in individuals affected with TAZ-related conditions. Algorithms developed to predict the effect of sequence changes on RNA splicing suggest that this variant may disrupt the consensus splice site. In summary, the available evidence is currently insufficient to determine the role of this variant in disease. Therefore, it has been classified as a Variant of Uncertain Significance.